The following is an entry in ClinVar:

NM_020806.5(GPHN):c.1475C>A (p.Pro492His)

Gene: GPHN (gephyrin; plus strand). Cytogenetic location: 14q23.3.
Variant type: single nucleotide variant.
Coding change: c.1475C>A on transcript NM_020806.5 (MANE Select); coding-DNA position 1475, C replaced by A.
Protein change: p.Pro492His; replaces proline 492 with histidine.
Molecular consequence: missense variant.
Genome position (GRCh38, 1-based): chr14:67,113,020, C>A. VCF-style: chr14-67113020-C-A. GRCh37 (hg19) VCF-style: chr14-67579737-C-A.
Other names: c.1376C>A, p.Pro459His (NM_001024218.2); c.1535C>A, p.Pro512His (NM_001377514.1); c.1505C>A, p.Pro502His (NM_001377515.1); c.1496C>A, p.Pro499His (NM_001377516.1); c.1448C>A, p.Pro483His (NM_001377517.1); c.1433C>A, p.Pro478His (NM_001377518.1); c.1415C>A, p.Pro472His (NM_001377519.1); short protein forms P478H, P483H, P459H, P472H, P512H, P492H, P499H, P502H.
Identifiers: ClinVar variation 2973040 (VCV002973040.3), dbSNP rs2543402473, ClinGen allele CA390258446.

ClinVar aggregate classification (germline): Uncertain significance (1 of 4 stars; one submission).

Conditions:
Sulfite oxidase deficiency due to molybdenum cofactor deficiency type C. Also called: Molybdenum cofactor deficiency, complementation group C; Molybdenum cofactor deficiency C. Identifiers: Orphanet 308400, Orphanet 833, MedGen C1854990, MONDO:0014212, OMIM 615501.

Allele frequency attached by ClinVar (database versions not stated): gnomAD exomes below 0.00001.
gnomAD v4.1: 1 of 1,613,424 alleles (0.000062%); highest among the groups gnomAD compares: Non-Finnish European, 0.000085%; no homozygotes.

Submission:

Labcorp Genetics (formerly Invitae), Labcorp
Classification: Uncertain significance for Sulfite oxidase deficiency due to molybdenum cofactor deficiency type C. Last evaluated: 2023-12-31. Review status: criteria provided, single submitter. Criteria: Invitae Variant Classification Sherloc (09022015). Collection method: clinical testing. Allele origin: germline.
Comment: This sequence change replaces proline, which is neutral and non-polar, with histidine, which is basic and polar, at codon 492 of the GPHN protein (p.Pro492His). This variant is not present in population databases (gnomAD no frequency). This variant has not been reported in the literature in individuals affected with GPHN-related conditions. An algorithm developed to predict the effect of missense changes on protein structure and function (PolyPhen-2) suggests that this variant is likely to be disruptive. In summary, the available evidence is currently insufficient to determine the role of this variant in disease. Therefore, it has been classified as a Variant of Uncertain Significance.